The following is an entry in ClinVar:

NM_000202.8(IDS):c.999G>A (p.Ser333=)

Genes: IDS (iduronate 2-sulfatase; minus strand), LOC106050102 (IDS recombination region; plus strand). Cytogenetic location: Xq28.
Variant type: single nucleotide variant.
Coding change: c.999G>A on transcript NM_000202.8 (MANE Select); coding-DNA position 999, G replaced by A.
Protein change: p.Ser333=; no amino-acid change (serine 333 retained).
Molecular consequence: synonymous variant. On other transcripts: non-coding transcript variant (1).
Genome position (GRCh38, 1-based): chrX:149,490,321, C>T on the plus strand (G>A on the coding strand, the complement: IDS is on the minus strand). VCF-style: chrX-149490321-C-T. GRCh37 (hg19) VCF-style: chrX-148571852-C-T.
Other names: c.729G>A, p.Ser243= (NM_001166550.4); c.999G>A, p.Ser333= (NM_006123.5).
Identifiers: ClinVar variation 589006 (VCV000589006.25), dbSNP rs1483244890, ClinGen allele CA519057667.

ClinVar aggregate classification (germline): Likely benign. Review status: criteria provided, multiple submitters, no conflicts (2 of 4 stars). 3 submissions from 3 submitters: Likely benign (3). Last evaluated 2024-11-01.

Conditions:
Inborn genetic diseases. Identifiers: MedGen C0950123, MeSH D030342.
Mucopolysaccharidosis, MPS-II (MPS2). Also called: IDS deficiency; Sulfoiduronate sulfatase deficiency; SIDS deficiency; Mucopolysaccharidosis type 2; Mucopolysaccharidosis with skin involvement; Attenuated MPS (subtype; formerly known as mild MPS II). Identifiers: Orphanet 580, Orphanet 79388, MedGen C0026705, MONDO:0010674, OMIM 309900.

Allele frequency attached by ClinVar (database versions not stated): TOPMed 0.00001; gnomAD 0.00002; gnomAD exomes 0.00002.
gnomAD v4.1: 18 of 1,208,671 alleles (0.0015%); highest among the groups gnomAD compares: East Asian, 0.027%; no homozygotes.

Submissions (4):

CeGaT Center for Human Genetics Tuebingen
Classification: Likely benign. Last evaluated: 2024-11-01. Review status: criteria provided, single submitter. Criteria: CeGaT Center For Human Genetics Tuebingen Variant Classification Criteria Version 2. Collection method: clinical testing. Allele origin: germline. Affected: yes. Observed: 1 variant allele.
Comment: IDS: BP4, BP7, BS2

Labcorp Genetics (formerly Invitae), Labcorp
Classification: Likely benign for Mucopolysaccharidosis, MPS-II. Last evaluated: 2024-02-01. Review status: criteria provided, single submitter. Criteria: Invitae Variant Classification Sherloc (09022015). Collection method: clinical testing. Allele origin: germline.

Ambry Genetics
Classification: Likely benign for Inborn genetic diseases. Last evaluated: 2017-05-02. Review status: criteria provided, single submitter. Criteria: Ambry Variant Classification Scheme 2023. Collection method: clinical testing. Allele origin: germline.

Dr. Peter K. Rogan Lab, Western University
No classification provided (evidence only). Condition: Thyroid cancer, nonmedullary, 1. Review status: no classification provided. Collection method: in vitro. Allele origin: not applicable. Functional consequence: retained intron. Not counted in ClinVar's aggregate classification.